The following is an entry in ClinVar:

ClinVar aggregate classification (germline): Uncertain significance (1 of 4 stars; one submission).

Conditions:
Cardiovascular phenotype. Identifiers: MedGen CN230736.

gnomAD v4.1: 2 of 1,607,098 alleles (0.00012%); highest among the groups gnomAD compares: Non-Finnish European, 0.00017%; no homozygotes.

Submission:

Ambry Genetics
Classification: Uncertain significance for Cardiovascular phenotype. Last evaluated: 2026-06-09. Review status: criteria provided, single submitter. Criteria: Ambry Variant Classification Scheme 2023. Collection method: clinical testing. Allele origin: germline.
Comment: The p.S581F variant (also known as c.1742C>T), located in coding exon 2 of the TNXB gene, results from a C to T substitution at nucleotide position 1742. The serine at codon 581 is replaced by phenylalanine, an amino acid with highly dissimilar properties. This amino acid position is conserved. In addition, this alteration is predicted to be tolerated by in silico analysis. Based on the available evidence, the clinical significance of this variant remains unclear.

NM_001365276.2(TNXB):c.1742C>T (p.Ser581Phe)

Gene: TNXB (tenascin XB; minus strand). Cytogenetic location: 6p21.33.
Variant type: single nucleotide variant.
Coding change: c.1742C>T on transcript NM_001365276.2 (MANE Select); coding-DNA position 1742, C replaced by T.
Protein change: p.Ser581Phe; replaces serine 581 with phenylalanine.
Molecular consequence: missense variant.
Genome position (GRCh38, 1-based): chr6:32,096,111, G>A on the plus strand (C>T on the coding strand, the complement: TNXB is on the minus strand). VCF-style: chr6-32096111-G-A. GRCh37 (hg19) VCF-style: chr6-32063888-G-A.
Other names: c.1742C>T, p.Ser581Phe (NM_001428335.1, NM_019105.8); short protein forms S581F.
Identifiers: ClinVar variation 4865845 (VCV004865845.1).
Genomic context (GRCh38, chr6:32,096,111, plus strand): 5'-TGGCACACGCCGTGCTGGCTGCAGTCATTCGGGCACTGCCTCACACCGCAATCCTCGCCA[G>A]AGTAGCCGTCCTCGCACACACACCGCCCATCTAGGCACTGGCCGCGGCCTCGGCAGCCCC-3'
Protein context (NP_001352205.1, residues 571-591): DGRCVCEDGY[Ser581Phe]GEDCGVRQCP